The following is an entry in ClinVar:

ClinVar aggregate classification (germline): Benign/Likely benign. Review status: criteria provided, multiple submitters, no conflicts (2 of 4 stars). 18 submissions from 18 submitters: Benign (5); Likely benign (10). 3 of the submissions do not count toward it. Last evaluated 2026-03-27.

Conditions:
Cardiovascular phenotype. Identifiers: MedGen CN230736.
Cardiomyopathy (CMYO). Also called: Cardiomyopathies. Identifiers: Orphanet 167848, MedGen C0878544, MONDO:0004994, HP:0001638. Inheritance: Various modes of inheritance.
Becker muscular dystrophy (BMD). Also called: MUSCULAR DYSTROPHY, PSEUDOHYPERTROPHIC PROGRESSIVE, BECKER TYPE; Becker Muscular Dystrophy (BMD). Identifiers: Orphanet 98895, MedGen C0917713, MONDO:0010311, OMIM 300376.
Duchenne muscular dystrophy (DMD). Also called: Duchenne Muscular Dystrophy (DMD); MUSCULAR DYSTROPHY, PSEUDOHYPERTROPHIC PROGRESSIVE, DUCHENNE TYPE. Identifiers: Orphanet 98896, MedGen C0013264, MONDO:0010679, OMIM 310200.
Dystrophin deficiency.

Allele frequency attached by ClinVar (database versions not stated): gnomAD exomes 0.00021 and 0.00056; ExAC 0.00080; 1000 Genomes Project 0.00106; 1000 Genomes Project 30x 0.00166; gnomAD 0.00188 and 0.00208; TOPMed 0.00216; ESP Exome Variant Server 0.00294.
gnomAD v4.1: 445 of 1,209,433 alleles (0.037%); highest among the groups gnomAD compares: African/African-American, 0.7%; no homozygotes.

Submissions (18):

Molecular Diagnostic Laboratory for Inherited Cardiovascular Disease, Montreal Heart Institute
Classification: Likely benign. Last evaluated: 2026-03-27. Review status: criteria provided, single submitter. Criteria: ACMG Guidelines, 2015. Collection method: clinical testing. Allele origin: germline. Affected: no.
Comment: BS1;BP1

Labcorp Genetics (formerly Invitae), Labcorp
Classification: Benign for Duchenne muscular dystrophy. Last evaluated: 2026-02-02. Review status: criteria provided, single submitter. Criteria: Invitae Variant Classification Sherloc (09022015). Collection method: clinical testing. Allele origin: germline.

Genomic Medicine Center of Excellence, King Faisal Specialist Hospital and Research Centre
Classification: Likely benign. Last evaluated: 2025-08-18. Review status: criteria provided, single submitter. Criteria: ACMG Guidelines, 2015. Collection method: clinical testing. Allele origin: germline.

Blueprint Genetics
Classification: Likely benign. Last evaluated: 2024-09-25. Review status: criteria provided, single submitter. Criteria: ACMG Guidelines, 2015. Collection method: clinical testing. Allele origin: germline.

ARUP Laboratories, Molecular Genetics and Genomics, ARUP Laboratories
Classification: Likely benign. Last evaluated: 2023-12-14. Review status: criteria provided, single submitter. Criteria: ARUP Molecular Germline Variant Investigation Process 2024. Collection method: clinical testing. Allele origin: germline.

Women's Health and Genetics/Laboratory Corporation of America, LabCorp
Classification: Likely benign. Last evaluated: 2022-02-18. Review status: criteria provided, single submitter. Criteria: LabCorp Variant Classification Summary - May 2015. Collection method: clinical testing. Allele origin: germline.

Mayo Clinic Laboratories, Mayo Clinic
Classification: Benign. Last evaluated: 2021-10-14. Review status: criteria provided, single submitter. Criteria: ACMG Guidelines, 2015. Collection method: clinical testing. Allele origin: germline. Observed: 4 variant alleles.
Comment: BS1, BS2

Mendelics
Classification: Likely benign for Duchenne muscular dystrophy. Last evaluated: 2019-05-28. Review status: criteria provided, single submitter. Criteria: Mendelics Assertion Criteria 2017. Collection method: clinical testing. Allele origin: unknown.

Ambry Genetics
Classification: Benign for Cardiovascular phenotype. Last evaluated: 2018-06-29. Review status: criteria provided, single submitter. Criteria: Ambry Variant Classification Scheme 2023. Collection method: clinical testing. Allele origin: germline.

Center for Advanced Laboratory Medicine, UC San Diego Health, University of California San Diego
Classification: Likely benign for Cardiomyopathy. Last evaluated: 2018-05-23. Review status: criteria provided, single submitter. Criteria: ACMG Guidelines, 2015. Collection method: clinical testing. Allele origin: germline. Affected: yes. Observed: 1 variant allele.

Athena Diagnostics
Classification: Benign. Last evaluated: 2017-03-31. Review status: criteria provided, single submitter. Criteria: Athena Diagnostics Criteria. Collection method: clinical testing. Allele origin: germline.

GeneDx
Classification: Benign. Last evaluated: 2017-01-06. Review status: criteria provided, single submitter. Criteria: GeneDx Variant Classification (06012015). Collection method: clinical testing. Allele origin: germline. Affected: yes.
Comment: This variant is considered likely benign or benign based on one or more of the following criteria: it is a conservative change, it occurs at a poorly conserved position in the protein, it is predicted to be benign by multiple in silico algorithms, and/or has population frequency not consistent with disease.

Laboratory for Molecular Medicine, Mass General Brigham Personalized Medicine
Classification: Likely benign. Last evaluated: 2015-10-22. Review status: criteria provided, single submitter. Criteria: LMM Criteria. Collection method: clinical testing. Allele origin: germline. Observed: 1 variant allele.
Comment: p.Arg1324Cys in exon 29 of DMD: This variant is not expected to have clinical si gnificance because it has been identified in 0.8% (64/8493) of African chromosom es by the Exome Aggregation Consortium, including 8 hemizygous individuals (ExAC; rs143184877).

Eurofins Ntd Llc (ga)
Classification: Likely benign. Last evaluated: 2015-04-11. Review status: criteria provided, single submitter. Criteria: EGL Classification Definitions 2015. Collection method: clinical testing. Allele origin: germline. Observed: 5 variant alleles, 4 heterozygotes, 1 hemizygote.

Breakthrough Genomics
Classification: Likely benign. Review status: criteria provided, single submitter. Criteria: ACMG Guidelines, 2015. Collection method: not provided. Allele origin: germline. Inheritance: X-linked inheritance. Affected: yes.

Natera, Inc.
Classification: Benign for Becker muscular dystrophy; Cardiomyopathy; Duchenne muscular dystrophy; Dystrophin deficiency. Last evaluated: 2019-08-02. Review status: no assertion criteria provided. Collection method: clinical testing. Allele origin: germline. Not counted in ClinVar's aggregate classification.

Clinical Genetics DNA and cytogenetics Diagnostics Lab, Erasmus MC, Erasmus Medical Center
Classification: Benign. Review status: no assertion criteria provided. Collection method: clinical testing. Allele origin: germline. Affected: yes. Study: VKGL Data-share Consensus. Not counted in ClinVar's aggregate classification.

Diagnostic Laboratory, Department of Genetics, University Medical Center Groningen
Classification: Likely benign. Review status: no assertion criteria provided. Collection method: clinical testing. Allele origin: germline. Affected: yes. Study: VKGL Data-share Consensus. Not counted in ClinVar's aggregate classification.

Literature cited by the submitters: PubMed 29847600 (cited by Ambry Genetics); PubMed 26743743 (cited by Athena Diagnostics).

NM_004006.3(DMD):c.3970C>T (p.Arg1324Cys)

Gene: DMD (dystrophin; minus strand). Cytogenetic location: Xp21.1.
Variant type: single nucleotide variant.
Coding change: c.3970C>T on transcript NM_004006.3 (MANE Select); coding-DNA position 3970, C replaced by T.
Protein change: p.Arg1324Cys; replaces arginine 1324 with cysteine.
Molecular consequence: missense variant.
Genome position (GRCh38, 1-based): chrX:32,438,342, G>A on the plus strand (C>T on the coding strand, the complement: DMD is on the minus strand). VCF-style: chrX-32438342-G-A. GRCh37 (hg19) VCF-style: chrX-32456459-G-A.
Other names: c.3946C>T, p.Arg1316Cys (NM_000109.4); c.3958C>T, p.Arg1320Cys (NM_004009.3); c.3601C>T, p.Arg1201Cys (NM_004010.3); short protein forms R1324C, R1316C, R1320C, R1201C.
Identifiers: ClinVar variation 94608 (VCV000094608.45), dbSNP rs143184877, ClinGen allele CA222389.